The following is an entry in ClinVar:

ClinVar aggregate classification (germline): Likely benign (1 of 4 stars; one submission).

Allele frequency attached by ClinVar (database versions not stated): TOPMed below 0.00001; ExAC 0.00002.
gnomAD v4.1: 13 of 1,595,560 alleles (0.00081%); highest among the groups gnomAD compares: Non-Finnish European, 0.001%; no homozygotes.

Submission:

CeGaT Center for Human Genetics Tuebingen
Classification: Likely benign. Last evaluated: 2023-09-01. Review status: criteria provided, single submitter. Criteria: CeGaT Center For Human Genetics Tuebingen Variant Classification Criteria Version 2. Collection method: clinical testing. Allele origin: germline. Affected: yes. Observed: 1 variant allele.
Comment: KCNT2: BP4, BP7

NM_198503.5(KCNT2):c.462A>C (p.Ile154=)

Gene: KCNT2 (potassium sodium-activated channel subfamily T member 2; minus strand). Cytogenetic location: 1q31.3.
Variant type: single nucleotide variant.
Coding change: c.462A>C on transcript NM_198503.5 (MANE Select); coding-DNA position 462, A replaced by C.
Protein change: p.Ile154=; no amino-acid change (isoleucine 154 retained).
Molecular consequence: synonymous variant. On other transcripts: non-coding transcript variant (2).
Genome position (GRCh38, 1-based): chr1:196,467,784, T>G on the plus strand (A>C on the coding strand, the complement: KCNT2 is on the minus strand). VCF-style: chr1-196467784-T-G. GRCh37 (hg19) VCF-style: chr1-196436914-T-G.
Other names: c.462A>C, p.Ile154= (NM_001287819.3, NM_001287820.3).
Identifiers: ClinVar variation 2639681 (VCV002639681.24), dbSNP rs748395925, ClinGen allele CA1304709.